The following is an entry in ClinVar:

ClinVar aggregate classification (germline): Pathogenic. Review status: criteria provided, multiple submitters, no conflicts (2 of 4 stars). 4 submissions from 4 submitters: Pathogenic (4). Last evaluated 2024-09-22.

Conditions:
Charlevoix-Saguenay spastic ataxia (SACS). Also called: SPASTIC ATAXIA 6, AUTOSOMAL RECESSIVE; Spastic ataxia of Charlevoix-Saguenay; AUTOSOMAL RECESSIVE SPASTIC ATAXIA OF CHARLEVOIX-SAGUENAY. Identifiers: Orphanet 98, MedGen C1849140, MONDO:0010041, OMIM 270550.
Spastic paraplegia. Identifiers: MedGen C0037772, HP:0001258.

Submissions (4):

Myriad Genetics, Inc.
Classification: Pathogenic for Charlevoix-Saguenay spastic ataxia. Last evaluated: 2024-09-22. Review status: criteria provided, single submitter. Criteria: Myriad Autosomal Dominant, Autosomal Recessive and X-Linked Classification Criteria (2023). Collection method: clinical testing. Allele origin: unknown.
Comment: NM_014363.4(SACS):c.1358delG(G453Vfs*25) is expected to be pathogenic in the context of autosomal recessive spastic ataxia of Charlevoix-Saguenay. This variant is predicted to lead to an abnormal or absent protein product due to the creation of a premature termination codon in SACS, a gene where loss-of-function variants are known to be pathogenic. Please note: this variant was assessed in the context of healthy population screening.

Labcorp Genetics (formerly Invitae), Labcorp
Classification: Pathogenic for Spastic paraplegia. Last evaluated: 2022-06-13. Review status: criteria provided, single submitter. Criteria: Invitae Variant Classification Sherloc (09022015). Collection method: clinical testing. Allele origin: germline.
Comment: For these reasons, this variant has been classified as Pathogenic. This sequence change creates a premature translational stop signal (p.Gly453Valfs*25) in the SACS gene. It is expected to result in an absent or disrupted protein product. Loss-of-function variants in SACS are known to be pathogenic (PMID: 18465152, 20876471). This variant is not present in population databases (gnomAD no frequency). This variant has not been reported in the literature in individuals affected with SACS-related conditions. ClinVar contains an entry for this variant (Variation ID: 989205). Algorithms developed to predict the effect of sequence changes on RNA splicing suggest that this variant may create or strengthen a splice site.

PROSPAX: an integrated multimodal progression  chart in spastic ataxias, Center for Neurology; Hertie-Institute for Clinical Brain Research
Classification: Pathogenic for Charlevoix-Saguenay spastic ataxia. Last evaluated: 2022-01-01. Review status: criteria provided, single submitter. Criteria: ACMG Guidelines, 2015. Collection method: research. Allele origin: germline. Affected: yes.

Paris Brain Institute, Inserm - ICM
Classification: Pathogenic for Charlevoix-Saguenay spastic ataxia. Review status: criteria provided, single submitter. Criteria: ACMG Guidelines, 2015. Collection method: clinical testing. Allele origin: unknown. Affected: yes. Observed: 1 variant allele.

Literature cited by the submitters: PubMed 18465152 (cited by Labcorp Genetics (formerly Invitae), Labcorp); PubMed 20876471 (cited by Labcorp Genetics (formerly Invitae), Labcorp).

NM_014363.6(SACS):c.1358del (p.Gly453fs)

Gene: SACS (sacsin molecular chaperone; minus strand). Cytogenetic location: 13q12.12.
Variant type: Deletion.
Coding change: c.1358del on transcript NM_014363.6 (MANE Select); coding-DNA position 1358, one base deleted (G; older notation c.1358delG).
Protein change: p.Gly453fs; shifts the reading frame from glycine 453.
Molecular consequence: frameshift variant.
Genome position (GRCh38, 1-based): chr13:23,355,254, C deleted on the plus strand (G on the coding strand, the reverse complement: SACS is on the minus strand); the first of 2 consecutive C bases (chr13:23,355,254-23,355,255); deleting either gives the same sequence. VCF-style (leftmost placement, unchanged base first): chr13-23355253-AC-A. GRCh37 (hg19) VCF-style: chr13-23929392-AC-A.
Other names: c.1358del (NM_014363.5); c.1358delG (NM_014363.6); c.917del, p.Gly306fs (NM_001278055.2); short protein forms G306fs, G453fs.
Identifiers: ClinVar variation 989205 (VCV000989205.9), dbSNP rs2137722808, ClinGen allele CA2499221990.